The following is an entry in ClinVar:

NM_000203.5(IDUA):c.1190-2A>C

Gene: IDUA (alpha-L-iduronidase; plus strand). Cytogenetic location: 4p16.3.
Variant type: single nucleotide variant.
Coding change: c.1190-2A>C on transcript NM_000203.5 (MANE Select); the canonical splice acceptor site of the intron before coding-DNA position 1190, A replaced by C.
Molecular consequence: splice acceptor variant.
Genome position (GRCh38, 1-based): chr4:1,002,730, A>C. VCF-style: chr4-1002730-A-C. GRCh37 (hg19) VCF-style: chr4-996518-A-C.
Other names: c.794-2A>C (NM_001363576.1).
Identifiers: ClinVar variation 4817918 (VCV004817918.1).

ClinVar aggregate classification (germline): Pathogenic (1 of 4 stars; one submission).

Conditions:
Mucopolysaccharidosis type 1. Also called: IDUA deficiency; MPS I; Mucopolysaccharidosis Type I. Identifiers: Orphanet 579, MedGen C0023786, MONDO:0001586.

Submission:

Natera, Inc.
Classification: Pathogenic for Mucopolysaccharidosis type I. Last evaluated: 2025-11-21. Review status: criteria provided, single submitter. Criteria: Natera Variant Classification Schema (03/2026). Collection method: clinical testing. Allele origin: germline.
Comment: The c.1190-2A>C variant in IDUA is a canonical splice acceptor site variant predicted to affect pre-mRNA splicing, which may result in an abnormal transcript and altered protein product. This variant is expected to result in nonsense mediated decay, truncation, or a dysfunctional protein product. This variant is rare in the general population with a frequency below the threshold expected for the associated phenotype(s). Another variant at this same site results in an alteration predicted to cause a similar molecular effect has been observed in individual(s) with the associated phenotype. Given the available evidence, this variant is classified as Pathogenic.